The following is an entry in ClinVar:

NM_001367624.2(ZNF469):c.3911G>A (p.Gly1304Asp)

Gene: ZNF469 (zinc finger protein 469; plus strand). Cytogenetic location: 16q24.2.
Variant type: single nucleotide variant.
Coding change: c.3911G>A on transcript NM_001367624.2 (MANE Select); coding-DNA position 3911, G replaced by A.
Protein change: p.Gly1304Asp; replaces glycine 1304 with aspartic acid.
Molecular consequence: missense variant.
Genome position (GRCh38, 1-based): chr16:88,431,381, G>A. VCF-style: chr16-88431381-G-A. GRCh37 (hg19) VCF-style: chr16-88497789-G-A.
Other names: NM_001127464.1:c.3827G>A; short protein forms G1304D.
Identifiers: ClinVar variation 2564223 (VCV002564223.3), dbSNP rs749120381, ClinGen allele CA8224899.

ClinVar aggregate classification (germline): Uncertain significance (1 of 4 stars; one submission).

Conditions:
Cardiovascular phenotype. Identifiers: MedGen CN230736.

Allele frequency attached by ClinVar (database versions not stated): gnomAD exomes below 0.00001; gnomAD 0.00003; TOPMed 0.00004; ExAC 0.00006.
gnomAD v4.1: 8 of 1,549,974 alleles (0.00052%); highest among the groups gnomAD compares: African/African-American, 0.0096%; no homozygotes.

Submission:

Ambry Genetics
Classification: Uncertain significance for Cardiovascular phenotype. Last evaluated: 2025-04-28. Review status: criteria provided, single submitter. Criteria: Ambry Variant Classification Scheme 2023. Collection method: clinical testing. Allele origin: germline.
Comment: The p.G1276D variant (also known as c.3827G>A), located in coding exon 2 of the ZNF469 gene, results from a G to A substitution at nucleotide position 3827. The glycine at codon 1276 is replaced by aspartic acid, an amino acid with similar properties. This amino acid position is conserved. In addition, this alteration is predicted to be tolerated by in silico analysis. Since supporting evidence is limited at this time, the clinical significance of this alteration remains unclear.